The following is an entry in ClinVar:

NM_021930.6(RINT1):c.232A>G (p.Ile78Val)

Gene: RINT1 (RAD50 interactor 1; plus strand). Cytogenetic location: 7q22.3.
Variant type: single nucleotide variant.
Coding change: c.232A>G on transcript NM_021930.6 (MANE Select); coding-DNA position 232, A replaced by G.
Protein change: p.Ile78Val; replaces isoleucine 78 with valine.
Molecular consequence: missense variant. On other transcripts: 5 prime UTR variant (3), non-coding transcript variant (1), intron variant (1).
Genome position (GRCh38, 1-based): chr7:105,536,708, A>G. VCF-style: chr7-105536708-A-G. GRCh37 (hg19) VCF-style: chr7-105177155-A-G.
Other names: c.-788A>G (NM_001346600.2); c.-691A>G (NM_001346601.2); c.-311A>G (NM_001346603.2); c.39+96A>G (NM_001346599.2); short protein forms I78V.
Identifiers: ClinVar variation 3227647 (VCV003227647.1), dbSNP rs773503587, ClinGen allele CA4426368.
Genomic context (GRCh38, chr7:105,536,708, plus strand): 5'-GCATTCATAGAAAAGGAAGTTGGAAATGACCTTAAATCTTTAAAGAAACTTGATAAACTC[A>G]TAGAACAGAGGACAGTAAGTAAAATGCAGTTAGAAGAACAGGTAAGTATTGAAACTCACT-3'
Protein context (NP_068749.3, residues 68-88): LKSLKKLDKL[Ile78Val]EQRTVSKMQL

ClinVar aggregate classification (germline): Uncertain significance (1 of 4 stars; one submission).

Allele frequency attached by ClinVar (database versions not stated): gnomAD exomes below 0.00001; ExAC 0.00001.

Submission:

Ambry Genetics
Classification: Uncertain significance. Last evaluated: 2024-01-08. Review status: criteria provided, single submitter. Criteria: Ambry Variant Classification Scheme 2023. Collection method: clinical testing. Allele origin: germline.
Comment: The p.I78V variant (also known as c.232A>G), located in coding exon 3 of the RINT1 gene, results from an A to G substitution at nucleotide position 232. The isoleucine at codon 78 is replaced by valine, an amino acid with highly similar properties. This amino acid position is conserved. In addition, this alteration is predicted to be tolerated by in silico analysis. Since supporting evidence is limited at this time, the clinical significance of this alteration remains unclear.